The following is an entry in ClinVar:

NM_201378.4(PLEC):c.71-11733C>T

Gene: PLEC (plectin; minus strand). Cytogenetic location: 8q24.3.
Variant type: single nucleotide variant.
Coding change: c.71-11733C>T on transcript NM_201378.4 (MANE Plus Clinical); 11733 bases into the intron before coding-DNA position 71, C replaced by T.
Molecular consequence: intron variant. On other transcripts: synonymous variant (1).
Genome position (GRCh38, 1-based): chr8:143,950,425, G>A on the plus strand (C>T on the coding strand, the complement: PLEC is on the minus strand). VCF-style: chr8-143950425-G-A. GRCh37 (hg19) VCF-style: chr8-145024593-G-A.
Other names: c.282C>T, p.Pro94= (NM_201380.4); c.194-11733C>T (NM_001410941.1, NM_000445.5); c.46+3301C>T (NM_201379.3).
Identifiers: ClinVar variation 4986282 (VCV004986282.1).

ClinVar aggregate classification (germline): Likely benign (1 of 4 stars; one submission).

Conditions:
PLEC-related disorder. Also called: PLEC-related condition; PLEC-related disorders.

gnomAD v4.1: 289 of 1,602,536 alleles (0.018%); highest among the groups gnomAD compares: Non-Finnish European, 0.023%; no homozygotes.

Submission:

PreventionGenetics, part of Exact Sciences
Classification: Likely benign for PLEC-related condition. Last evaluated: 2025-08-18. Review status: criteria provided, single submitter. Criteria: ACMG Guidelines, 2015. Collection method: clinical testing. Allele origin: germline.
Comment: This variant is classified as likely benign based on ACMG/AMP sequence variant interpretation guidelines (Richards et al. 2015 PMID: 25741868, with internal and published modifications).